The following is an entry in ClinVar:

ClinVar aggregate classification (germline): Uncertain significance (1 of 4 stars; one submission).

Conditions:
Myopathy, proximal, and ophthalmoplegia (CMYO6). Also called: CONGENITAL MYOPATHY 6 WITH OPHTHALMOPLEGIA; MYOPATHY WITH CONGENITAL JOINT CONTRACTURES, OPHTHALMOPLEGIA, AND RIMMED VACUOLES; INCLUSION BODY MYOPATHY 3, AUTOSOMAL DOMINANT. Identifiers: Orphanet 363677, Orphanet 79091, MedGen C1854106, MONDO:0011577, OMIM 605637.

Allele frequency attached by ClinVar (database versions not stated): TOPMed 0.00001.
gnomAD v4.1: 2 of 1,613,966 alleles (0.00012%); highest among the groups gnomAD compares: Non-Finnish European, 0.00017%; no homozygotes.

Submission:

Labcorp Genetics (formerly Invitae), Labcorp
Classification: Uncertain significance for Myopathy, proximal, and ophthalmoplegia. Last evaluated: 2022-06-21. Review status: criteria provided, single submitter. Criteria: Invitae Variant Classification Sherloc (09022015). Collection method: clinical testing. Allele origin: germline.
Comment: Algorithms developed to predict the effect of missense changes on protein structure and function (SIFT, PolyPhen-2, Align-GVGD) all suggest that this variant is likely to be disruptive. In summary, the available evidence is currently insufficient to determine the role of this variant in disease. Therefore, it has been classified as a Variant of Uncertain Significance. This variant has not been reported in the literature in individuals affected with MYH2-related conditions. This variant is not present in population databases (gnomAD no frequency). This sequence change replaces arginine, which is basic and polar, with glycine, which is neutral and non-polar, at codon 709 of the MYH2 protein (p.Arg709Gly).

NM_017534.6(MYH2):c.2125C>G (p.Arg709Gly)

Genes: MYHAS (myosin heavy chain gene cluster antisense RNA; plus strand), MYH2 (myosin heavy chain 2; minus strand). Cytogenetic location: 17p13.1.
Variant type: single nucleotide variant.
Coding change: c.2125C>G on transcript NM_017534.6 (MANE Select); coding-DNA position 2125, C replaced by G.
Protein change: p.Arg709Gly; replaces arginine 709 with glycine.
Molecular consequence: missense variant.
Genome position (GRCh38, 1-based): chr17:10,535,128, G>C on the plus strand (C>G on the coding strand, the complement: MYH2 is on the minus strand). VCF-style: chr17-10535128-G-C. GRCh37 (hg19) VCF-style: chr17-10438445-G-C.
Other names: c.2125C>G, p.Arg709Gly (NM_001100112.2); short protein forms R709G.
Identifiers: ClinVar variation 1979008 (VCV001979008.4), dbSNP rs761461325, ClinGen allele CA398150188.